The following is an entry in ClinVar:

ClinVar aggregate classification (germline): Likely benign. Review status: criteria provided, multiple submitters, no conflicts (2 of 4 stars). 2 submissions from 2 submitters: Likely benign (2). Last evaluated 2025-06-22.

Allele frequency attached by ClinVar (database versions not stated): TOPMed 0.00029; ESP Exome Variant Server 0.00031.
gnomAD v4.1: 76 of 1,613,896 alleles (0.0047%); highest among the groups gnomAD compares: African/African-American, 0.08%; no homozygotes.

Submissions (2):

Labcorp Genetics (formerly Invitae), Labcorp
Classification: Likely benign. Last evaluated: 2025-06-22. Review status: criteria provided, single submitter. Criteria: Invitae Variant Classification Sherloc (09022015). Collection method: clinical testing. Allele origin: germline.

CeGaT Center for Human Genetics Tuebingen
Classification: Likely benign. Last evaluated: 2023-09-01. Review status: criteria provided, single submitter. Criteria: CeGaT Center For Human Genetics Tuebingen Variant Classification Criteria Version 2. Collection method: clinical testing. Allele origin: germline. Affected: yes. Observed: 1 variant allele.
Comment: ARNT2: BP4, BP7

NM_014862.4(ARNT2):c.933C>T (p.Leu311=)

Gene: ARNT2 (aryl hydrocarbon receptor nuclear translocator 2; plus strand). Cytogenetic location: 15q25.1.
Variant type: single nucleotide variant.
Coding change: c.933C>T on transcript NM_014862.4 (MANE Select); coding-DNA position 933, C replaced by T.
Protein change: p.Leu311=; no amino-acid change (leucine 311 retained).
Molecular consequence: synonymous variant.
Genome position (GRCh38, 1-based): chr15:80,551,254, C>T. VCF-style: chr15-80551254-C-T. GRCh37 (hg19) VCF-style: chr15-80843595-C-T.
Identifiers: ClinVar variation 1138324 (VCV001138324.32), dbSNP rs139137025, ClinGen allele CA7691858.